The following is an entry in ClinVar:

NM_001041.4(SI):c.636-1G>A

Gene: SI (sucrase-isomaltase; minus strand). Cytogenetic location: 3q26.1.
Variant type: single nucleotide variant.
Coding change: c.636-1G>A on transcript NM_001041.4 (MANE Select); the canonical splice acceptor site of the intron before coding-DNA position 636, G replaced by A.
Molecular consequence: splice acceptor variant.
Genome position (GRCh38, 1-based): chr3:165,065,433, C>T on the plus strand (G>A on the coding strand, the complement: SI is on the minus strand). VCF-style: chr3-165065433-C-T. GRCh37 (hg19) VCF-style: chr3-164783221-C-T.
Identifiers: ClinVar variation 3659779 (VCV003659779.2).

ClinVar aggregate classification (germline): Likely pathogenic (1 of 4 stars; one submission).

Submission:

Labcorp Genetics (formerly Invitae), Labcorp
Classification: Likely pathogenic. Last evaluated: 2024-07-17. Review status: criteria provided, single submitter. Criteria: Invitae Variant Classification Sherloc (09022015). Collection method: clinical testing. Allele origin: germline.
Comment: This sequence change affects an acceptor splice site in intron 6 of the SI gene. It is expected to disrupt RNA splicing. Variants that disrupt the donor or acceptor splice site typically lead to a loss of protein function (PMID: 16199547), and loss-of-function variants in SI are known to be pathogenic (PMID: 16329100, 23103650, 25452324). This variant is not present in population databases (gnomAD no frequency). This variant has not been reported in the literature in individuals affected with SI-related conditions. Algorithms developed to predict the effect of sequence changes on RNA splicing suggest that this variant may disrupt the consensus splice site. In summary, the currently available evidence indicates that the variant is pathogenic, but additional data are needed to prove that conclusively. Therefore, this variant has been classified as Likely Pathogenic.

Literature cited by the submitters: PubMed 16199547; PubMed 16329100; PubMed 23103650; PubMed 25452324.